The following is an entry in ClinVar:

NM_002156.5(HSPD1):c.1180C>T (p.Leu394Phe)

Gene: HSPD1 (heat shock protein family D (Hsp60) member 1; minus strand). Cytogenetic location: 2q33.1.
Variant type: single nucleotide variant.
Coding change: c.1180C>T on transcript NM_002156.5 (MANE Select); coding-DNA position 1180, C replaced by T.
Protein change: p.Leu394Phe; replaces leucine 394 with phenylalanine.
Molecular consequence: missense variant.
Genome position (GRCh38, 1-based): chr2:197,489,037, G>A on the plus strand (C>T on the coding strand, the complement: HSPD1 is on the minus strand). VCF-style: chr2-197489037-G-A. GRCh37 (hg19) VCF-style: chr2-198353761-G-A.
Other names: c.1180C>T, p.Leu394Phe (NM_199440.2); short protein forms L394F.
Identifiers: ClinVar variation 3007952 (VCV003007952.3), dbSNP rs1479585915, ClinGen allele CA350199290.

ClinVar aggregate classification (germline): Uncertain significance (1 of 4 stars; one submission).

Conditions:
Spastic paraplegia. Identifiers: MedGen C0037772, HP:0001258.

Allele frequency attached by ClinVar (database versions not stated): gnomAD exomes below 0.00001.
gnomAD v4.1: 2 of 1,613,908 alleles (0.00012%); highest among the groups gnomAD compares: Non-Finnish European, 0.00017%; no homozygotes.

Submission:

Labcorp Genetics (formerly Invitae), Labcorp
Classification: Uncertain significance for Spastic paraplegia. Last evaluated: 2023-09-11. Review status: criteria provided, single submitter. Criteria: Invitae Variant Classification Sherloc (09022015). Collection method: clinical testing. Allele origin: germline.
Comment: In summary, the available evidence is currently insufficient to determine the role of this variant in disease. Therefore, it has been classified as a Variant of Uncertain Significance. Advanced modeling of protein sequence and biophysical properties (such as structural, functional, and spatial information, amino acid conservation, physicochemical variation, residue mobility, and thermodynamic stability) performed at Invitae indicates that this missense variant is expected to disrupt HSPD1 protein function. This variant has not been reported in the literature in individuals affected with HSPD1-related conditions. This variant is present in population databases (no rsID available, gnomAD 0.0009%). This sequence change replaces leucine, which is neutral and non-polar, with phenylalanine, which is neutral and non-polar, at codon 394 of the HSPD1 protein (p.Leu394Phe).